The following is an entry in ClinVar:

NM_003659.4(AGPS):c.83A>T (p.Asp28Val)

Genes: AGPS (alkylglycerone phosphate synthase; plus strand), LOC129935172 (ATAC-STARR-seq lymphoblastoid silent region 12147; plus strand). Cytogenetic location: 2q31.2.
Variant type: single nucleotide variant.
Coding change: c.83A>T on transcript NM_003659.4 (MANE Select); coding-DNA position 83, A replaced by T.
Protein change: p.Asp28Val; replaces aspartic acid 28 with valine.
Molecular consequence: missense variant.
Genome position (GRCh38, 1-based): chr2:177,392,872, A>T. VCF-style: chr2-177392872-A-T. GRCh37 (hg19) VCF-style: chr2-178257600-A-T.
Other names: short protein forms D28V.
Identifiers: ClinVar variation 332512 (VCV000332512.8), dbSNP rs764286061, ClinGen allele CA1980005.

ClinVar aggregate classification (germline): Uncertain significance. Review status: criteria provided, multiple submitters, no conflicts (2 of 4 stars). 3 submissions from 3 submitters: Uncertain significance (3). Last evaluated 2024-01-24.

Conditions:
Rhizomelic chondrodysplasia punctata type 3 (RCDP3). Also called: ALKYLDIHYDROXYACETONEPHOSPHATE SYNTHASE DEFICIENCY; Alkylglycerone Phosphate Synthase (AGPS) deficiency. Identifiers: Orphanet 177, Orphanet 309803, MedGen C1838612, MONDO:0010823, OMIM 600121. Disease mechanism: loss of function.

Allele frequency attached by ClinVar (database versions not stated): ExAC below 0.00001; gnomAD 0.00001; gnomAD exomes 0.00003 and 0.00005; TOPMed 0.00003.
gnomAD v4.1: 47 of 1,549,620 alleles (0.003%); highest among the groups gnomAD compares: Middle Eastern, 0.036%; no homozygotes.

Submissions (3):

Labcorp Genetics (formerly Invitae), Labcorp
Classification: Uncertain significance. Last evaluated: 2024-01-24. Review status: criteria provided, single submitter. Criteria: Invitae Variant Classification Sherloc (09022015). Collection method: clinical testing. Allele origin: germline.
Comment: This sequence change replaces aspartic acid, which is acidic and polar, with valine, which is neutral and non-polar, at codon 28 of the AGPS protein (p.Asp28Val). This variant is present in population databases (rs764286061, gnomAD 0.01%). This variant has not been reported in the literature in individuals affected with AGPS-related conditions. ClinVar contains an entry for this variant (Variation ID: 332512). Experimental studies and prediction algorithms are not available or were not evaluated, and the functional significance of this variant is currently unknown. In summary, the available evidence is currently insufficient to determine the role of this variant in disease. Therefore, it has been classified as a Variant of Uncertain Significance.

ARUP Laboratories, Molecular Genetics and Genomics, ARUP Laboratories
Classification: Uncertain significance for Rhizomelic chondrodysplasia punctata type 3. Last evaluated: 2023-09-12. Review status: criteria provided, single submitter. Criteria: ARUP Molecular Germline Variant Investigation Process 2024. Collection method: clinical testing. Allele origin: germline.
Comment: The AGPS c.83A>T; p.Asp28Val variant (rs764286061), to our knowledge, is not reported in the medical literature in individuals with AGPS-related conditions but is reported in ClinVar (Variation ID: 332512). This variant is found in the general population with an overall allele frequency of 0.005% (7/144,154 alleles) in the Genome Aggregation Database. Computational analyses are uncertain whether this variant is neutral or deleterious (REVEL: 0.274). Due to limited information, the clinical significance of this variant is uncertain at this time.

Illumina Laboratory Services, Illumina
Classification: Uncertain significance for Rhizomelic chondrodysplasia punctata type 3. Last evaluated: 2018-01-12. Review status: criteria provided, single submitter. Criteria: ICSL Variant Classification Criteria 13 December 2019. Collection method: clinical testing. Allele origin: germline.